The following is an entry in ClinVar:

NM_000414.4(HSD17B4):c.1039dup (p.Tyr347fs)

Gene: HSD17B4 (hydroxysteroid 17-beta dehydrogenase 4; plus strand). Cytogenetic location: 5q23.1.
Variant type: Duplication.
Coding change: c.1039dup on transcript NM_000414.4 (MANE Select); coding-DNA position 1039, one base duplicated (T; older notation c.1039dupT).
Protein change: p.Tyr347fs; shifts the reading frame from tyrosine 347.
Molecular consequence: frameshift variant. On other transcripts: non-coding transcript variant (2).
Genome position (GRCh38, 1-based): chr5:119,499,383, T duplicated. VCF-style (leftmost placement, unchanged base first): chr5-119499382-G-GT. GRCh37 (hg19) VCF-style: chr5-118835077-G-GT.
Other names: c.967dup, p.Tyr323fs (NM_001292027.2); c.619dup, p.Tyr207fs (NM_001292028.2); c.1030dup, p.Tyr344fs (NM_001374497.1); c.1039dup, p.Tyr347fs (NM_001374498.1); c.712dup, p.Tyr238fs (NM_001374499.1); c.598dup, p.Tyr200fs (NM_001374500.1); c.628dup, p.Tyr210fs (NM_001374501.1, NM_001374502.1, NM_001374503.1); c.1114dup, p.Tyr372fs (NM_001199291.3); and 1 more; short protein forms Y200fs, Y207fs, Y210fs, Y238fs, Y323fs, Y329fs, Y344fs, Y347fs.
Identifiers: ClinVar variation 4818337 (VCV004818337.1).

ClinVar aggregate classification (germline): Likely pathogenic (1 of 4 stars; one submission).

Conditions:
Bifunctional peroxisomal enzyme deficiency (DBIF). Also called: DBP DEFICIENCY; PBFE DEFICIENCY; D-bifunctional protein deficiency. Identifiers: Orphanet 300, MedGen C0342870, MONDO:0009855, OMIM 261515. Disease mechanism: loss of function.

Submission:

Natera, Inc.
Classification: Likely pathogenic for Bifunctional peroxisomal enzyme deficiency. Last evaluated: 2024-08-29. Review status: criteria provided, single submitter. Criteria: Natera Variant Classification Schema (03/2026). Collection method: clinical testing. Allele origin: germline.
Comment: The c.1039dup variant in HSD17B4 is a frameshift variant predicted to shift the reading frame beginning at codon 347 and leads to a stop codon 20 codons downstream. This variant is expected to result in nonsense mediated decay, truncation, or a dysfunctional protein product. This variant is rare in the general population with a frequency below the threshold expected for the associated phenotype(s). Given the available evidence, this variant is classified as Likely Pathogenic.